The following is an entry in ClinVar:

NM_052947.4(ALPK2):c.6148T>C (p.Phe2050Leu)

Gene: ALPK2 (alpha kinase 2; minus strand). Cytogenetic location: 18q21.31.
Variant type: single nucleotide variant.
Coding change: c.6148T>C on transcript NM_052947.4 (MANE Select); coding-DNA position 6148, T replaced by C.
Protein change: p.Phe2050Leu; replaces phenylalanine 2050 with leucine.
Molecular consequence: missense variant.
Genome position (GRCh38, 1-based): chr18:58,504,030, A>G on the plus strand (T>C on the coding strand, the complement: ALPK2 is on the minus strand). VCF-style: chr18-58504030-A-G. GRCh37 (hg19) VCF-style: chr18-56171262-A-G.
Other names: short protein forms F2050L.
Identifiers: ClinVar variation 2564044 (VCV002564044.2), dbSNP rs1316185675, ClinGen allele CA402544044.

ClinVar aggregate classification (germline): Uncertain significance (1 of 4 stars; one submission).

Submission:

Ambry Genetics
Classification: Uncertain significance. Last evaluated: 2023-03-27. Review status: criteria provided, single submitter. Criteria: Ambry Variant Classification Scheme 2023. Collection method: clinical testing. Allele origin: germline.
Comment: The p.F2050L variant (also known as c.6148T>C), located in coding exon 10 of the ALPK2 gene, results from a T to C substitution at nucleotide position 6148. The phenylalanine at codon 2050 is replaced by leucine, an amino acid with highly similar properties. This amino acid position is conserved. In addition, this alteration is predicted to be tolerated by in silico analysis. Since supporting evidence is limited at this time, the clinical significance of this alteration remains unclear.